The following is an entry in ClinVar:

ClinVar aggregate classification (germline): Benign/Likely benign. Review status: criteria provided, multiple submitters, no conflicts (2 of 4 stars). 5 submissions from 5 submitters: Benign (2); Likely benign (2). 1 of the submissions does not count toward it. Last evaluated 2026-09-01.

Conditions:
DNAH9-related disorder. Also called: DNAH9-related condition.

Allele frequency attached by ClinVar (database versions not stated): TOPMed 0.00238; gnomAD 0.00272 and 0.00273; gnomAD exomes 0.00292 and 0.00363; ExAC 0.00308; ESP Exome Variant Server 0.00331; 1000 Genomes Project 0.00180; 1000 Genomes Project 30x 0.00187.
gnomAD v4.1: 5,728 of 1,614,246 alleles (0.35%); highest among the groups gnomAD compares: Middle Eastern, 0.45%; 20 homozygotes.

Submissions (5):

CeGaT Center for Human Genetics Tuebingen
Classification: Likely benign. Last evaluated: 2026-09-01. Review status: criteria provided, single submitter. Criteria: CeGaT Center For Human Genetics Tuebingen Variant Classification Criteria Version 2. Collection method: clinical testing. Allele origin: germline. Affected: yes. Observed: 2 variant alleles.
Comment: DNAH9: BP4, BP7, BS2

Labcorp Genetics (formerly Invitae), Labcorp
Classification: Benign. Last evaluated: 2026-02-03. Review status: criteria provided, single submitter. Criteria: Invitae Variant Classification Sherloc (09022015). Collection method: clinical testing. Allele origin: germline.

Blueprint Genetics
Classification: Likely benign. Last evaluated: 2024-11-25. Review status: criteria provided, single submitter. Criteria: ACMG Guidelines, 2015. Collection method: clinical testing. Allele origin: germline.

Breakthrough Genomics
Classification: Benign. Review status: criteria provided, single submitter. Criteria: ACMG Guidelines, 2015. Collection method: not provided. Allele origin: germline. Inheritance: Autosomal recessive inheritance. Affected: yes.

PreventionGenetics, part of Exact Sciences
Classification: Benign for DNAH9-related condition. Last evaluated: 2019-06-21. Review status: no assertion criteria provided. Collection method: clinical testing. Allele origin: germline. Not counted in ClinVar's aggregate classification.
Comment: This variant is classified as benign based on ACMG/AMP sequence variant interpretation guidelines (Richards et al. 2015 PMID: 25741868, with internal and published modifications).

NM_001372.4(DNAH9):c.9066C>T (p.Val3022=)

Gene: DNAH9 (dynein axonemal heavy chain 9; plus strand). Cytogenetic location: 17p12.
Variant type: single nucleotide variant.
Coding change: c.9066C>T on transcript NM_001372.4 (MANE Select); coding-DNA position 9066, C replaced by T.
Protein change: p.Val3022=; no amino-acid change (valine 3022 retained).
Molecular consequence: synonymous variant.
Genome position (GRCh38, 1-based): chr17:11,822,854, C>T. VCF-style: chr17-11822854-C-T. GRCh37 (hg19) VCF-style: chr17-11726171-C-T.
Other names: c.9066C>T (NM_001372.3).
Identifiers: ClinVar variation 1633098 (VCV001633098.33), dbSNP rs34595876, ClinGen allele CA8397128.